The following is an entry in ClinVar:

ClinVar aggregate classification (germline): Conflicting classifications of pathogenicity. Review status: criteria provided, conflicting classifications (1 of 4 stars). 2 submissions from 2 submitters: Likely pathogenic (1); Uncertain significance (1). Last evaluated 2026-02-07.

Conditions:
Bifunctional peroxisomal enzyme deficiency (DBIF). Also called: DBP DEFICIENCY; PBFE DEFICIENCY; D-bifunctional protein deficiency. Identifiers: Orphanet 300, MedGen C0342870, MONDO:0009855, OMIM 261515. Disease mechanism: loss of function.

gnomAD v4.1: 12 of 1,613,886 alleles (0.00074%); highest among the groups gnomAD compares: Non-Finnish European, 0.00025%; no homozygotes.

Submissions (2):

GeneDx
Classification: Uncertain significance. Last evaluated: 2026-02-07. Review status: criteria provided, single submitter. Criteria: GeneDx Variant Classification Process June 2021. Collection method: clinical testing. Allele origin: germline.
Comment: In silico analysis supports that this missense variant has a deleterious effect on protein structure/function; This variant is associated with the following publications: (PMID: 32904102)

Natera, Inc.
Classification: Likely pathogenic for Bifunctional peroxisomal enzyme deficiency. Last evaluated: 2025-06-02. Review status: criteria provided, single submitter. Criteria: Natera Variant Classification Schema (03/2026). Collection method: clinical testing. Allele origin: germline.
Comment: The c.14T>G variant in HSD17B4 is a missense variant predicted to cause substitution of leucine to arginine at amino acid 5. This variant is rare in the general population with a frequency below the threshold expected for the associated phenotype(s). This variant has been observed in one or more individuals affected with the associated recessive disease, as either homozygous or compound heterozygous with a second variant (PMID: 32904102). This variant has been identified in one or more affected individual with a phenotype highly consistent with the associated gene (PMID:32904102). Computational prediction algorithms indicate this variant is likely to affect gene or protein function. Given the available evidence, this variant is classified as Likely Pathogenic.

Literature cited by the submitters: PubMed 32904102 (cited by Natera, Inc.).

NM_000414.4(HSD17B4):c.14T>G (p.Leu5Arg)

Gene: HSD17B4 (hydroxysteroid 17-beta dehydrogenase 4; plus strand). Cytogenetic location: 5q23.1.
Variant type: single nucleotide variant.
Coding change: c.14T>G on transcript NM_000414.4 (MANE Select); coding-DNA position 14, T replaced by G.
Protein change: p.Leu5Arg; replaces leucine 5 with arginine.
Molecular consequence: missense variant. On other transcripts: 5 prime UTR variant (8), non-coding transcript variant (2).
Genome position (GRCh38, 1-based): chr5:119,452,589, T>G. VCF-style: chr5-119452589-T-G. GRCh37 (hg19) VCF-style: chr5-118788284-T-G.
Other names: c.-124T>G (NM_001292027.2); c.-586T>G (NM_001292028.2, NM_001374501.1); c.14T>G, p.Leu5Arg (NM_001374497.1, NM_001374498.1, NM_001199292.2); c.-520T>G (NM_001374499.1); c.-713T>G (NM_001374500.1); c.-591T>G (NM_001374502.1); c.-656T>G (NM_001374503.1); c.-165T>G (NM_001199291.3); short protein forms L5R.
Identifiers: ClinVar variation 4818341 (VCV004818341.2).
Genomic context (GRCh38, chr5:119,452,589, plus strand): 5'-TCCAGCGGCTCTGCTTGTTCGTGTGTGTGTCGTTGCAGGCCTTATTCATGGGCTCACCGC[T>G]GAGGTTCGACGGGCGGGTGGTACTGGTCACCGGCGCGGGGGCAGGTGAGCATGCGAAGGT-3'
Protein context (NP_000405.1, residues 1-15): MGSP[Leu5Arg]RFDGRVVLVT